The following is an entry in ClinVar:

NM_032638.5(GATA2):c.542T>A (p.Val181Glu)

Gene: GATA2 (GATA binding protein 2; minus strand). Cytogenetic location: 3q21.3.
Variant type: single nucleotide variant.
Coding change: c.542T>A on transcript NM_032638.5 (MANE Select); coding-DNA position 542, T replaced by A.
Protein change: p.Val181Glu; replaces valine 181 with glutamic acid.
Molecular consequence: missense variant.
Genome position (GRCh38, 1-based): chr3:128,486,056, A>T on the plus strand (T>A on the coding strand, the complement: GATA2 is on the minus strand). VCF-style: chr3-128486056-A-T. GRCh37 (hg19) VCF-style: chr3-128204899-A-T.
Other names: c.542T>A, p.Val181Glu (NM_001145661.2, NM_001145662.1); short protein forms V181E.
Identifiers: ClinVar variation 1466929 (VCV001466929.8), dbSNP rs1213379943, ClinGen allele CA354406553.

ClinVar aggregate classification (germline): Uncertain significance (1 of 4 stars; one submission).

Conditions:
Deafness-lymphedema-leukemia syndrome. Also called: Lymphedema, primary, with myelodysplasia; Emberger syndrome. Identifiers: Orphanet 3226, MedGen C3279664, MONDO:0013540, OMIM 614038.
Monocytopenia with susceptibility to infections. Also called: GATA2 DEFICIENCY; Dendritic cell, monocyte, B lymphocyte, and natural killer lymphocyte deficiency; MONOCYTOPENIA AND MYCOBACTERIAL INFECTION SYNDROME; MONOCYTOPENIA WITH SUSCEPTIBILITY TO MYCOBACTERIAL, FUNGAL, AND PAPILLOMAVIRUS INFECTIONS AND MYELODYSPLASIA; COMBINED IMMUNODEFICIENCY WITH SUSCEPTIBILITY TO MYCOBACTERIAL, VIRAL, AND FUNGAL INFECTIONS; IMMUNODEFICIENCY 21. Identifiers: Orphanet 228423, MedGen C3280030, MONDO:0013607, OMIM 614172.

Submission:

Labcorp Genetics (formerly Invitae), Labcorp
Classification: Uncertain significance for Monocytopenia with susceptibility to infections; Deafness-lymphedema-leukemia syndrome. Last evaluated: 2021-07-14. Review status: criteria provided, single submitter. Criteria: Invitae Variant Classification Sherloc (09022015). Collection method: clinical testing. Allele origin: germline.
Comment: In summary, the available evidence is currently insufficient to determine the role of this variant in disease. Therefore, it has been classified as a Variant of Uncertain Significance. Advanced modeling of protein sequence and biophysical properties (such as structural, functional, and spatial information, amino acid conservation, physicochemical variation, residue mobility, and thermodynamic stability) performed at Invitae indicates that this missense variant is not expected to disrupt GATA2 protein function. This variant has not been reported in the literature in individuals affected with GATA2-related conditions. This variant is not present in population databases (ExAC no frequency). This sequence change replaces valine with glutamic acid at codon 181 of the GATA2 protein (p.Val181Glu). The valine residue is moderately conserved and there is a moderate physicochemical difference between valine and glutamic acid.